The following is an entry in ClinVar:

ClinVar aggregate classification (germline): Uncertain significance. Review status: criteria provided, multiple submitters, no conflicts (2 of 4 stars). 3 submissions from 3 submitters: Uncertain significance (3). Last evaluated 2024-05-16.

Conditions:
Muscular dystrophy-dystroglycanopathy (congenital with brain and eye anomalies), type A9. Also called: WALKER-WARBURG SYNDROME OR MUSCLE-EYE BRAIN DISEASE, DAG1-RELATED; Muscular dystrophy-dystroglycanopathy (congenital with brain and eye anomalies), type a, 9. Identifiers: Orphanet 370997, Orphanet 899, MedGen C4225291, MONDO:0014683, OMIM 616538.
Autosomal recessive limb-girdle muscular dystrophy type 2P. Also called: MUSCULAR DYSTROPHY, LIMB-GIRDLE, TYPE 2P; MUSCULAR DYSTROPHY-DYSTROGLYCANOPATHY, LIMB-GIRDLE, DAG1-RELATED; Limb-Girdle Muscular Dystrophy Type 9C. Identifiers: Orphanet 280333, MedGen C4511963, MONDO:0013440, OMIM 613818.
Inborn genetic diseases. Identifiers: MedGen C0950123, MeSH D030342.

Allele frequency attached by ClinVar (database versions not stated): gnomAD 0.00004 and 0.00003; gnomAD exomes 0.00002 and 0.00005; TOPMed 0.00006; ESP Exome Variant Server 0.00008; ExAC 0.00002.

Submissions (3):

Ambry Genetics
Classification: Uncertain significance for Inborn genetic diseases. Last evaluated: 2024-05-16. Review status: criteria provided, single submitter. Criteria: Ambry Variant Classification Scheme 2023. Collection method: clinical testing. Allele origin: germline.

Labcorp Genetics (formerly Invitae), Labcorp
Classification: Uncertain significance for Autosomal recessive limb-girdle muscular dystrophy type 2P; Muscular dystrophy-dystroglycanopathy (congenital with brain and eye anomalies), type A9. Last evaluated: 2022-08-10. Review status: criteria provided, single submitter. Criteria: Invitae Variant Classification Sherloc (09022015). Collection method: clinical testing. Allele origin: germline.
Comment: This sequence change replaces arginine, which is basic and polar, with tryptophan, which is neutral and slightly polar, at codon 689 of the DAG1 protein (p.Arg689Trp). This variant is present in population databases (rs138933315, gnomAD 0.04%). This variant has not been reported in the literature in individuals affected with DAG1-related conditions. ClinVar contains an entry for this variant (Variation ID: 210823). Algorithms developed to predict the effect of missense changes on protein structure and function are either unavailable or do not agree on the potential impact of this missense change (SIFT: "Deleterious"; PolyPhen-2: "Probably Damaging"; Align-GVGD: "Class C0"). In summary, the available evidence is currently insufficient to determine the role of this variant in disease. Therefore, it has been classified as a Variant of Uncertain Significance.

Genetic Services Laboratory, University of Chicago
Classification: Uncertain significance. Last evaluated: 2015-03-09. Review status: criteria provided, single submitter. Criteria: ACMG Guidelines, 2015. Collection method: clinical testing. Allele origin: germline.

NM_004393.6(DAG1):c.2065C>T (p.Arg689Trp)

Gene: DAG1 (dystroglycan 1; plus strand). Cytogenetic location: 3p21.31.
Variant type: single nucleotide variant.
Coding change: c.2065C>T on transcript NM_004393.6 (MANE Select); coding-DNA position 2065, C replaced by T.
Protein change: p.Arg689Trp; replaces arginine 689 with tryptophan.
Molecular consequence: missense variant.
Genome position (GRCh38, 1-based): chr3:49,532,576, C>T. VCF-style: chr3-49532576-C-T. GRCh37 (hg19) VCF-style: chr3-49570009-C-T.
Other names: c.2065C>T, p.Arg689Trp (NM_001165928.4, NM_001177634.3, NM_001177635.3 and 9 more transcripts); short protein forms R689W.
Identifiers: ClinVar variation 210823 (VCV000210823.9), dbSNP rs138933315, ClinGen allele CA205567.